The following is an entry in ClinVar:

NC_000023.10:g.(?_119565168)_(119603034_?)del

Gene: LAMP2 (lysosome associated membrane protein 2; minus strand). Cytogenetic location: Xq24.
Variant type: Deletion.
Identifiers: ClinVar variation 1072236 (VCV001072236.5).

ClinVar aggregate classification (germline): Pathogenic (1 of 4 stars; one submission).

Conditions:
Danon disease. Also called: PSEUDOGLYCOGENOSIS II; GSD IIb; LYSOSOMAL GLYCOGEN STORAGE DISEASE WITHOUT ACID MALTASE DEFICIENCY; ANTOPOL DISEASE; Glycogen Storage Disease Type IIb. Identifiers: Orphanet 34587, MedGen C0878677, MONDO:0010281, OMIM 300257.

Submission:

Labcorp Genetics (formerly Invitae), Labcorp
Classification: Pathogenic for Danon disease. Last evaluated: 2022-08-22. Review status: criteria provided, single submitter. Criteria: Invitae Variant Classification Sherloc (09022015). Collection method: clinical testing. Allele origin: germline.
Comment: A gross deletion of the genomic region encompassing the full coding sequence of the LAMP2 gene has been identified. Loss-of-function variants in LAMP2 are known to be pathogenic (PMID: 21415759). The boundaries of this event are unknown as they extend beyond the assayed region for this gene and therefore may encompass additional genes. This variant has not been reported in the literature in individuals affected with LAMP2-related conditions. For these reasons, this variant has been classified as Pathogenic.

Literature cited by the submitters: PubMed 21415759.